The following is an entry in ClinVar:

NM_015662.3(IFT172):c.3466G>C (p.Gly1156Arg)

Gene: IFT172 (intraflagellar transport 172; minus strand). Cytogenetic location: 2p23.3.
Variant type: single nucleotide variant.
Coding change: c.3466G>C on transcript NM_015662.3 (MANE Select); coding-DNA position 3466, G replaced by C.
Protein change: p.Gly1156Arg; replaces glycine 1156 with arginine.
Molecular consequence: missense variant.
Genome position (GRCh38, 1-based): chr2:27,454,418, C>G on the plus strand (G>C on the coding strand, the complement: IFT172 is on the minus strand). VCF-style: chr2-27454418-C-G. GRCh37 (hg19) VCF-style: chr2-27677285-C-G.
Other names: c.3466G>C (NM_015662.1, NM_015662.2); short protein forms G1156R.
Identifiers: ClinVar variation 1006506 (VCV001006506.8), dbSNP rs1665983486, ClinGen allele CA346378922.

ClinVar aggregate classification (germline): Uncertain significance. Review status: criteria provided, multiple submitters, no conflicts (2 of 4 stars). 3 submissions from 3 submitters: Uncertain significance (3). Last evaluated 2026-07-06.

Conditions:
Retinitis pigmentosa 71 (RP71). Identifiers: Orphanet 791, MedGen C4225342, MONDO:0014618, OMIM 616394.
Short-rib thoracic dysplasia 10 with or without polydactyly (SRTD10). Identifiers: Orphanet 474, MedGen C3810175, MONDO:0014284, OMIM 615630.
IFT172-related disorder. Also called: IFT172-related condition; IFT172-related disorders.
Inborn genetic diseases. Identifiers: MedGen C0950123, MeSH D030342.

Submissions (3):

PreventionGenetics, part of Exact Sciences
Classification: Uncertain significance for IFT172-related condition. Last evaluated: 2026-07-06. Review status: criteria provided, single submitter. Criteria: ACMG Guidelines, 2015. Collection method: clinical testing. Allele origin: germline.
Comment: The IFT172 c.3466G>C variant is predicted to result in the amino acid substitution p.Gly1156Arg. To our knowledge, this variant has not been reported in the literature or in a large population database (gnomAD), indicating this variant is rare. At this time, the clinical significance of this variant is uncertain due to the absence of conclusive functional and genetic evidence.

Ambry Genetics
Classification: Uncertain significance for Inborn genetic diseases. Last evaluated: 2025-08-23. Review status: criteria provided, single submitter. Criteria: Ambry Variant Classification Scheme 2023. Collection method: clinical testing. Allele origin: germline.

Labcorp Genetics (formerly Invitae), Labcorp
Classification: Uncertain significance for Retinitis pigmentosa 71; Short-rib thoracic dysplasia 10 with or without polydactyly. Last evaluated: 2022-07-12. Review status: criteria provided, single submitter. Criteria: Invitae Variant Classification Sherloc (09022015). Collection method: clinical testing. Allele origin: germline.
Comment: In summary, the available evidence is currently insufficient to determine the role of this variant in disease. Therefore, it has been classified as a Variant of Uncertain Significance. Algorithms developed to predict the effect of missense changes on protein structure and function are either unavailable or do not agree on the potential impact of this missense change (SIFT: "Deleterious"; PolyPhen-2: "Probably Damaging"; Align-GVGD: "Class C15"). ClinVar contains an entry for this variant (Variation ID: 1006506). This variant has not been reported in the literature in individuals affected with IFT172-related conditions. This variant is not present in population databases (gnomAD no frequency). This sequence change replaces glycine, which is neutral and non-polar, with arginine, which is basic and polar, at codon 1156 of the IFT172 protein (p.Gly1156Arg).